The following is an entry in ClinVar:

ClinVar aggregate classification (germline): Uncertain significance (1 of 4 stars; one submission).

gnomAD v4.1: 4 of 1,600,928 alleles (0.00025%); highest among the groups gnomAD compares: South Asian, 0.0011%; no homozygotes.

Submission:

Labcorp Genetics (formerly Invitae), Labcorp
Classification: Uncertain significance. Last evaluated: 2026-01-26. Review status: criteria provided, single submitter. Criteria: Invitae Variant Classification Sherloc (09022015). Collection method: clinical testing. Allele origin: germline.
Comment: This sequence change falls in intron 6 of the DCDC1 gene. It does not directly change the encoded amino acid sequence of the DCDC1 protein. This variant is not present in population databases (gnomAD no frequency). This variant has not been reported in the literature in individuals affected with DCDC1-related conditions. Algorithms developed to predict the effect of sequence changes on RNA splicing suggest that this variant may disrupt the consensus splice site. In summary, the available evidence is currently insufficient to determine the role of this variant in disease. Therefore, it has been classified as a Variant of Uncertain Significance.

NM_001387274.1(DCDC1):c.755-15A>G

Gene: DCDC1 (doublecortin domain containing 1; minus strand). Cytogenetic location: 11p13.
Variant type: single nucleotide variant.
Coding change: c.755-15A>G on transcript NM_001387274.1 (MANE Select); 15 bases into the intron before coding-DNA position 755, A replaced by G.
Molecular consequence: intron variant.
Genome position (GRCh38, 1-based): chr11:31,290,867, T>C on the plus strand (A>G on the coding strand, the complement: DCDC1 is on the minus strand). VCF-style: chr11-31290867-T-C. GRCh37 (hg19) VCF-style: chr11-31312414-T-C.
Other names: c.755-15A>G (NM_001367979.1, NM_181807.4).
Identifiers: ClinVar variation 4694723 (VCV004694723.1).